The following is an entry in ClinVar:

NM_004333.6(BRAF):c.1399T>G (p.Ser467Ala)

Gene: BRAF (B-Raf proto-oncogene, serine/threonine kinase; minus strand). Cytogenetic location: 7q34.
Variant type: single nucleotide variant.
Coding change: c.1399T>G on transcript NM_004333.6 (MANE Select); coding-DNA position 1399, T replaced by G.
Protein change: p.Ser467Ala; replaces serine 467 with alanine.
Molecular consequence: missense variant.
Genome position (GRCh38, 1-based): chr7:140,781,609, A>C on the plus strand (T>G on the coding strand, the complement: BRAF is on the minus strand). VCF-style: chr7-140781609-A-C. GRCh37 (hg19) VCF-style: chr7-140481409-A-C.
Other names: c.1399T>G, p.Ser467Ala (NM_001354609.2, NM_001378468.1, NM_001378474.1); c.1519T>G, p.Ser507Ala (NM_001374244.1, NM_001374258.1); c.1408T>G, p.Ser470Ala (NM_001378467.1); c.1333T>G, p.Ser445Ala (NM_001378469.1); c.1297T>G, p.Ser433Ala (NM_001378470.1); c.1288T>G, p.Ser430Ala (NM_001378471.1); c.1243T>G, p.Ser415Ala (NM_001378472.1, NM_001378473.1); c.1135T>G, p.Ser379Ala (NM_001378475.1); short protein forms S467A, S379A, S415A, S430A, S433A, S445A, S470A, S507A.
Identifiers: ClinVar variation 223138 (VCV000223138.6), dbSNP rs869025606, ClinGen allele CA357002.

ClinVar aggregate classification (germline): Pathogenic. Review status: criteria provided, single submitter (1 of 4 stars). 2 submissions from 2 submitters: Pathogenic (1). 1 of the submissions does not count toward it. Last evaluated 2016-04-07.

Conditions:
Cardio-facio-cutaneous syndrome. Also called: Cardiofaciocutaneous syndrome; CFC syndrome. Identifiers: Orphanet 1340, MedGen C1275081, MONDO:0015280. Disease mechanism: gain of function.

Submissions (2):

GeneDx
Classification: Pathogenic. Last evaluated: 2016-04-07. Review status: criteria provided, single submitter. Criteria: GeneDx Variant Classification (06012015). Collection method: clinical testing. Allele origin: germline. Affected: yes.
Comment: The S467A variant in the BRAF gene has been published previously in association with cardio-facio-cutaneous syndrome (Rodriguez-Viciana et al., 2006). The variant was not observed in approximately 6,500 individuals of European and African American ancestry in the NHLBI Exome Sequencing Project, indicating it is not a common benign variant in these populations. BRAF has a low rate of benign missense variation and missense variants are a common mechanism of disease in this gene. S467A is a non-conservative amino acid substitution, which is likely to impact secondary protein structure as these residues differ in polarity, charge, size and/or other properties. This substitution occurs at a position within the ATP-binding domain that is conserved across species. In addition, in vitro studies have shown that S467A results in higher levels of MEK and ERK phosphorylation. Missense variants in nearby residues (G464R/V, F468S, G469R/E, T470P) have been reported in the Human Gene Mutation Database in association with cardio-facio-cutaneous syndrome (Stenson et al., 2014), supporting the functional importance of this region of the protein. Therefore, we interpret S467A to be a pathogenic variant.

GeneReviews
No classification provided. Condition: Cardio-facio-cutaneous syndrome. Review status: no classification provided. Collection method: literature only. Allele origin: germline. Affected: yes. Not counted in ClinVar's aggregate classification.

Literature cited by the submitters: NCBI Bookshelf NBK1186 (cited by GeneReviews).